The following is an entry in ClinVar:

NM_015662.3(IFT172):c.1879A>G (p.Met627Val)

Gene: IFT172 (intraflagellar transport 172; minus strand). Cytogenetic location: 2p23.3.
Variant type: single nucleotide variant.
Coding change: c.1879A>G on transcript NM_015662.3 (MANE Select); coding-DNA position 1879, A replaced by G.
Protein change: p.Met627Val; replaces methionine 627 with valine.
Molecular consequence: missense variant.
Genome position (GRCh38, 1-based): chr2:27,465,469, T>C on the plus strand (A>G on the coding strand, the complement: IFT172 is on the minus strand). VCF-style: chr2-27465469-T-C. GRCh37 (hg19) VCF-style: chr2-27688336-T-C.
Other names: c.1813A>G, p.Met605Val (NM_001410739.1); short protein forms M627V, M605V.
Identifiers: ClinVar variation 1977531 (VCV001977531.6), dbSNP rs1178869931, ClinGen allele CA346386407.

ClinVar aggregate classification (germline): Uncertain significance. Review status: criteria provided, multiple submitters, no conflicts (2 of 4 stars). 2 submissions from 2 submitters: Uncertain significance (2). Last evaluated 2022-07-24.

Conditions:
Short-rib thoracic dysplasia 10 with or without polydactyly (SRTD10). Identifiers: Orphanet 474, MedGen C3810175, MONDO:0014284, OMIM 615630.
Retinitis pigmentosa 71 (RP71). Identifiers: Orphanet 791, MedGen C4225342, MONDO:0014618, OMIM 616394.

Allele frequency attached by ClinVar (database versions not stated): gnomAD exomes below 0.00001.
gnomAD v4.1: 6 of 1,614,160 alleles (0.00037%); highest among the groups gnomAD compares: Non-Finnish European, 0.00042%; no homozygotes.

Submissions (2):

Labcorp Genetics (formerly Invitae), Labcorp
Classification: Uncertain significance for Retinitis pigmentosa 71; Short-rib thoracic dysplasia 10 with or without polydactyly. Last evaluated: 2022-07-24. Review status: criteria provided, single submitter. Criteria: Invitae Variant Classification Sherloc (09022015). Collection method: clinical testing. Allele origin: germline.
Comment: In summary, the available evidence is currently insufficient to determine the role of this variant in disease. Therefore, it has been classified as a Variant of Uncertain Significance. Algorithms developed to predict the effect of missense changes on protein structure and function are either unavailable or do not agree on the potential impact of this missense change (SIFT: "Deleterious"; PolyPhen-2: "Probably Damaging"; Align-GVGD: "Class C0"). This variant has not been reported in the literature in individuals affected with IFT172-related conditions. This variant is present in population databases (no rsID available, gnomAD 0.0009%). This sequence change replaces methionine, which is neutral and non-polar, with valine, which is neutral and non-polar, at codon 627 of the IFT172 protein (p.Met627Val).

Blueprint Genetics
Classification: Uncertain significance. Last evaluated: 2019-12-17. Review status: criteria provided, single submitter. Criteria: ACMG Guidelines, 2015. Collection method: clinical testing. Allele origin: germline.